The following is an entry in ClinVar:

ClinVar aggregate classification (germline): Uncertain significance (1 of 4 stars; one submission).

Conditions:
ZNF292-related disorder. Also called: ZNF292-related condition.

Allele frequency attached by ClinVar (database versions not stated): gnomAD 0.00001; gnomAD exomes 0.00001; ExAC 0.00002; ESP Exome Variant Server 0.00008.
gnomAD v4.1: 9 of 1,613,808 alleles (0.00056%); highest among the groups gnomAD compares: Non-Finnish European, 0.00076%; no homozygotes.

Submission:

PreventionGenetics, part of Exact Sciences
Classification: Uncertain significance for ZNF292-related condition. Last evaluated: 2022-12-15. Review status: criteria provided, single submitter. Criteria: ACMG Guidelines, 2015. Collection method: clinical testing. Allele origin: germline.
Comment: The ZNF292 c.1647A>G variant is not predicted to result in an amino acid change (p.=). To our knowledge, this variant has not been reported in the literature. This variant is reported in 0.00089% of alleles in individuals of European (Non-Finnish) descent in gnomAD. At this time, the clinical significance of this variant is uncertain due to the absence of conclusive functional and genetic evidence.

NM_015021.3(ZNF292):c.1647A>G (p.Lys549=)

Gene: ZNF292 (zinc finger protein 292; plus strand). Cytogenetic location: 6q14.3.
Variant type: single nucleotide variant.
Coding change: c.1647A>G on transcript NM_015021.3 (MANE Select); coding-DNA position 1647, A replaced by G.
Protein change: p.Lys549=; no amino-acid change (lysine 549 retained).
Molecular consequence: synonymous variant.
Genome position (GRCh38, 1-based): chr6:87,255,276, A>G. VCF-style: chr6-87255276-A-G. GRCh37 (hg19) VCF-style: chr6-87964994-A-G.
Other names: c.1227A>G, p.Lys409= (NM_001351444.2).
Identifiers: ClinVar variation 2635795 (VCV002635795.1), dbSNP rs370886893, ClinGen allele CA3913874.
Genomic context (GRCh38, chr6:87,255,276, plus strand): 5'-TATATCTGCTCGGTTTAGGAATTGGCAAGCCTACATGCAGTATTGTGTGTTGTGTGACAA[A>G]GAATTCCTTGGTCACAGAATAGTACGACATGCTCAGAAACATTACAAAGATGGAATTTAT-3'
Protein context (NP_055836.1, residues 539-559): AYMQYCVLCD[Lys549=]EFLGHRIVRH